The following is an entry in ClinVar:

ClinVar aggregate classification (germline): Uncertain significance (1 of 4 stars; one submission).

Conditions:
GCM2-related disorder. Also called: GCM2-related condition.

Submission:

PreventionGenetics, part of Exact Sciences
Classification: Uncertain significance for GCM2-related condition. Last evaluated: 2026-06-22. Review status: criteria provided, single submitter. Criteria: ACMG Guidelines, 2015. Collection method: clinical testing. Allele origin: germline.
Comment: The GCM2 c.200G>A variant is predicted to result in the amino acid substitution p.Arg67His. To our knowledge, this variant has not been reported in the literature. This variant is reported in 0.0054% of alleles in individuals of East Asian descent in gnomAD. An alternate missense change at the same amino acid position (p.Arg67Cys) has been reported in the homozygous state in individuals with hypoparathyroidism (Canaff et al. 2022. PubMed ID: 35038313). At this time, the clinical significance of the p.Arg67His variant is uncertain due to the absence of conclusive functional and genetic evidence.

NM_004752.4(GCM2):c.200G>A (p.Arg67His)

Gene: GCM2 (GCM transcription factor 2; minus strand). Cytogenetic location: 6p24.2.
Variant type: single nucleotide variant.
Coding change: c.200G>A on transcript NM_004752.4 (MANE Select); coding-DNA position 200, G replaced by A.
Protein change: p.Arg67His; replaces arginine 67 with histidine.
Molecular consequence: missense variant.
Genome position (GRCh38, 1-based): chr6:10,877,283, C>T on the plus strand (G>A on the coding strand, the complement: GCM2 is on the minus strand). VCF-style: chr6-10877283-C-T. GRCh37 (hg19) VCF-style: chr6-10877516-C-T.
Other names: short protein forms R67H.
Identifiers: ClinVar variation 4991650 (VCV004991650.1).
Genomic context (GRCh38, chr6:10,877,283, plus strand): 5'-CACACCACCACACCCAGGCACGACTTCTTGAGGATGTGGCCATTGTGGTTGTTGGTGTTG[C>T]GCATGGCCCAGCCGCTCAGGTGACGCTGTGCCTTCTTCTCATCGCTGCTGTAGATGAAGC-3'
Protein context (NP_004743.1, residues 57-77): AQRHLSGWAM[Arg67His]NTNNHNGHIL